The following is an entry in ClinVar:

NM_001018115.3(FANCD2):c.1321A>G (p.Ser441Gly)

Genes: FANCD2 (FA complementation group D2; plus strand), LOC107303338 (3p25 FANCD2 Alu-mediated recombination region; plus strand). Cytogenetic location: 3p25.3.
Variant type: single nucleotide variant.
Coding change: c.1321A>G on transcript NM_001018115.3 (MANE Select); coding-DNA position 1321, A replaced by G.
Protein change: p.Ser441Gly; replaces serine 441 with glycine.
Molecular consequence: missense variant.
Genome position (GRCh38, 1-based): chr3:10,047,959, A>G. VCF-style: chr3-10047959-A-G. GRCh37 (hg19) VCF-style: chr3-10089643-A-G.
Other names: c.1321A>G, p.Ser441Gly (NM_001319984.2, NM_001374253.1, NM_001374254.1 and 1 more transcripts); short protein forms S441G.
Identifiers: ClinVar variation 4993167 (VCV004993167.1).
Genomic context (GRCh38, chr3:10,047,959, plus strand): 5'-TACTCTTCCCCACTCAAGGTTCTTAAGGATATGTGTTCATCCATTCTGTCGCTGGCTCAG[A>G]GTTTGCTTCACTCTCTAGACCAGAGTATAATTTCATTTGGCAGTCTCCTATACAAATATG-3'
Protein context (NP_001018125.1, residues 431-451): MCSSILSLAQ[Ser441Gly]LLHSLDQSII

ClinVar aggregate classification (germline): Uncertain significance (1 of 4 stars; one submission).

Conditions:
FANCD2-related disorder. Also called: FANCD2-related condition.

Submission:

PreventionGenetics, part of Exact Sciences
Classification: Uncertain significance for FANCD2-related condition. Last evaluated: 2026-09-14. Review status: criteria provided, single submitter. Criteria: ACMG Guidelines, 2015. Collection method: clinical testing. Allele origin: germline.
Comment: The FANCD2 c.1321A>G variant is predicted to result in the amino acid substitution p.Ser441Gly. To our knowledge, this variant has not been reported in the literature or in a large population database (gnomAD), indicating this variant is rare. At this time, the clinical significance of this variant is uncertain due to the absence of conclusive functional and genetic evidence.